The following is an entry in ClinVar:

NM_001270974.2(HYDIN):c.1897T>G (p.Ser633Ala)

Gene: HYDIN (HYDIN axonemal central pair apparatus protein; minus strand). Cytogenetic location: 16q22.2.
Variant type: single nucleotide variant.
Coding change: c.1897T>G on transcript NM_001270974.2 (MANE Select); coding-DNA position 1897, T replaced by G.
Protein change: p.Ser633Ala; replaces serine 633 with alanine.
Molecular consequence: missense variant.
Genome position (GRCh38, 1-based): chr16:71,069,344, A>C on the plus strand (T>G on the coding strand, the complement: HYDIN is on the minus strand). VCF-style: chr16-71069344-A-C. GRCh37 (hg19) VCF-style: chr16-71103247-A-C.
Other names: c.1978T>G, p.Ser660Ala (NM_001198542.1); c.1948T>G, p.Ser650Ala (NM_001198543.1); c.1897T>G, p.Ser633Ala (NM_017558.5); short protein forms S633A, S650A, S660A.
Identifiers: ClinVar variation 2672650 (VCV002672650.23), dbSNP rs1294170961, ClinGen allele CA396637730.

ClinVar aggregate classification (germline): Uncertain significance (1 of 4 stars; one submission).

Submission:

CeGaT Center for Human Genetics Tuebingen
Classification: Uncertain significance. Last evaluated: 2023-11-01. Review status: criteria provided, single submitter. Criteria: CeGaT Center For Human Genetics Tuebingen Variant Classification Criteria Version 2. Collection method: clinical testing. Allele origin: germline. Affected: yes. Observed: 1 variant allele.
Comment: HYDIN: PM2, BP4